The following is an entry in ClinVar:

NM_002972.4(SBF1):c.2016_2017delinsAT (p.His673Tyr)

Gene: SBF1 (SET binding factor 1; minus strand). Cytogenetic location: 22q13.33.
Variant type: Indel.
Coding change: c.2016_2017delinsAT on transcript NM_002972.4 (MANE Select); coding-DNA positions 2016 to 2017, GC replaced by AT.
Protein change: p.His673Tyr; replaces histidine 673 with tyrosine.
Molecular consequence: missense variant.
Genome position (GRCh38, 1-based): chr22:50,462,669-50,462,670, GC replaced by AT on the plus strand (GC replaced by AT on the coding strand, the reverse complement: SBF1 is on the minus strand). VCF-style: chr22-50462669-GC-AT. GRCh37 (hg19) VCF-style: chr22-50901098-GC-AT.
Other names: c.2019_2020delinsAT, p.His674Tyr (NM_001365819.1); c.2019_2020delGCinsAT, p.His674Tyr (NM_001410794.1); c.2016_2017delGCinsAT, p.His673Tyr (NM_001410795.1, NM_197971.1); short protein forms H673Y, H674Y.
Identifiers: ClinVar variation 2191152 (VCV002191152.1), dbSNP rs2521953955, ClinGen allele CA2580099931.

ClinVar aggregate classification (germline): Uncertain significance (1 of 4 stars; one submission).

Submission:

Labcorp Genetics (formerly Invitae), Labcorp
Classification: Uncertain significance. Last evaluated: 2021-12-21. Review status: criteria provided, single submitter. Criteria: Invitae Variant Classification Sherloc (09022015). Collection method: clinical testing. Allele origin: germline.
Comment: This sequence change replaces histidine, which is basic and polar, with tyrosine, which is neutral and polar, at codon 673 of the SBF1 protein (p.His673Tyr). Information on the frequency of this variant in the gnomAD database is not available, as this variant may be reported differently in the database. This variant has not been reported in the literature in individuals affected with SBF1-related conditions. Experimental studies and prediction algorithms are not available or were not evaluated, and the functional significance of this variant is currently unknown. In summary, the available evidence is currently insufficient to determine the role of this variant in disease. Therefore, it has been classified as a Variant of Uncertain Significance.